The following is an entry in ClinVar:

NM_004733.4(SLC33A1):c.370C>T (p.Leu124Phe)

Gene: SLC33A1 (solute carrier family 33 member 1; minus strand). Cytogenetic location: 3q25.31.
Variant type: single nucleotide variant.
Coding change: c.370C>T on transcript NM_004733.4 (MANE Select); coding-DNA position 370, C replaced by T.
Protein change: p.Leu124Phe; replaces leucine 124 with phenylalanine.
Molecular consequence: missense variant.
Genome position (GRCh38, 1-based): chr3:155,853,628, G>A on the plus strand (C>T on the coding strand, the complement: SLC33A1 is on the minus strand). VCF-style: chr3-155853628-G-A. GRCh37 (hg19) VCF-style: chr3-155571417-G-A.
Other names: c.370C>T, p.Leu124Phe (NM_001190992.2, NM_001363883.1); short protein forms L124F.
Identifiers: ClinVar variation 448411 (VCV000448411.24), dbSNP rs141818342, ClinGen allele CA2677426.

ClinVar aggregate classification (germline): Uncertain significance. Review status: criteria provided, multiple submitters, no conflicts (2 of 4 stars). 6 submissions from 6 submitters: Uncertain significance (6). Last evaluated 2025-11-24.

Conditions:
Spastic paraplegia. Identifiers: MedGen C0037772, HP:0001258.
Hereditary spastic paraplegia. Also called: Familial spastic paraparesis. Identifiers: Orphanet 685, MedGen C0037773, MONDO:0019064. Disease mechanism: loss of function.

Allele frequency attached by ClinVar (database versions not stated): 1000 Genomes Project 30x 0.00016; 1000 Genomes Project 0.00020; ExAC 0.00027; ESP Exome Variant Server 0.00031; gnomAD 0.00031 and 0.00033; gnomAD exomes 0.00035 and 0.00049; TOPMed 0.00038.
gnomAD v4.1: 763 of 1,614,182 alleles (0.047%); highest among the groups gnomAD compares: Non-Finnish European, 0.06%; no homozygotes.

Submissions (6):

GeneDx
Classification: Uncertain significance. Last evaluated: 2025-11-24. Review status: criteria provided, single submitter. Criteria: GeneDx Variant Classification Process June 2021. Collection method: clinical testing. Allele origin: germline. Affected: yes.
Comment: Identified in a patient with primary progressive multiple sclerosis in published literature (PMID: 29908077); In silico analysis supports that this missense variant has a deleterious effect on protein structure/function; This variant is associated with the following publications: (PMID: 34515852, 29908077)

Labcorp Genetics (formerly Invitae), Labcorp
Classification: Uncertain significance for Spastic paraplegia. Last evaluated: 2024-10-23. Review status: criteria provided, single submitter. Criteria: Invitae Variant Classification Sherloc (09022015). Collection method: clinical testing. Allele origin: germline.
Comment: This sequence change replaces leucine, which is neutral and non-polar, with phenylalanine, which is neutral and non-polar, at codon 124 of the SLC33A1 protein (p.Leu124Phe). This variant is present in population databases (rs141818342, gnomAD 0.06%). This variant has not been reported in the literature in individuals affected with SLC33A1-related conditions. ClinVar contains an entry for this variant (Variation ID: 448411). Invitae Evidence Modeling of protein sequence and biophysical properties (such as structural, functional, and spatial information, amino acid conservation, physicochemical variation, residue mobility, and thermodynamic stability) indicates that this missense variant is not expected to disrupt SLC33A1 protein function with a negative predictive value of 80%. In summary, the available evidence is currently insufficient to determine the role of this variant in disease. Therefore, it has been classified as a Variant of Uncertain Significance.

Blueprint Genetics
Classification: Uncertain significance. Last evaluated: 2024-09-04. Review status: criteria provided, single submitter. Criteria: ACMG Guidelines, 2015. Collection method: clinical testing. Allele origin: germline.

Genome Diagnostics Laboratory, The Hospital for Sick Children
Classification: Uncertain significance for Hereditary spastic paraplegia. Last evaluated: 2021-05-24. Review status: criteria provided, single submitter. Criteria: ACMG Guidelines, 2015. Collection method: clinical testing. Allele origin: germline. Affected: yes.

Mayo Clinic Laboratories, Mayo Clinic
Classification: Uncertain significance. Last evaluated: 2020-03-02. Review status: criteria provided, single submitter. Criteria: ACMG Guidelines, 2015. Collection method: clinical testing. Allele origin: germline. Observed: 1 variant allele.

Athena Diagnostics
Classification: Uncertain significance. Last evaluated: 2017-07-07. Review status: criteria provided, single submitter. Criteria: Athena Diagnostics Criteria. Collection method: clinical testing. Allele origin: germline.